The following is an entry in ClinVar:

NM_001690.4(ATP6V1A):c.1637C>T (p.Ala546Val)

Gene: ATP6V1A (ATPase H+ transporting V1 subunit A; plus strand). Cytogenetic location: 3q13.31.
Variant type: single nucleotide variant.
Coding change: c.1637C>T on transcript NM_001690.4 (MANE Select); coding-DNA position 1637, C replaced by T.
Protein change: p.Ala546Val; replaces alanine 546 with valine.
Molecular consequence: missense variant.
Genome position (GRCh38, 1-based): chr3:113,805,401, C>T. VCF-style: chr3-113805401-C-T. GRCh37 (hg19) VCF-style: chr3-113524248-C-T.
Other names: c.1637C>T (NM_001690.3); short protein forms A546V.
Identifiers: ClinVar variation 1380613 (VCV001380613.13), dbSNP rs571817807, ClinGen allele CA2548104.
Genomic context (GRCh38, chr3:113,805,401, plus strand): 5'-TCATTTATTCTAGGTTCTGCCCATTCTACAAGACAGTAGGGATGCTGTCCAACATGATTG[C>T]ATTTTATGATATGGCTCGTAGAGCTGTTGAAACCACTGCCCAGAGTGACAATAAAATCAC-3'
Protein context (NP_001681.2, residues 536-556): KTVGMLSNMI[Ala546Val]FYDMARRAVE

ClinVar aggregate classification (germline): Conflicting classifications of pathogenicity. Review status: criteria provided, conflicting classifications (1 of 4 stars). 3 submissions from 3 submitters: Uncertain significance (2); Likely benign (1). Last evaluated 2025-11-01.

Conditions:
Inborn genetic diseases. Identifiers: MedGen C0950123, MeSH D030342.

Allele frequency attached by ClinVar (database versions not stated): gnomAD 0.00001 and 0.00002; TOPMed 0.00001; gnomAD exomes 0.00006 and 0.00013; ExAC 0.00012; 1000 Genomes Project 30x 0.00016; 1000 Genomes Project 0.00020.
gnomAD v4.1: 87 of 1,614,096 alleles (0.0054%); highest among the groups gnomAD compares: South Asian, 0.089%; 1 homozygote.

Submissions (3):

CeGaT Center for Human Genetics Tuebingen
Classification: Likely benign. Last evaluated: 2025-11-01. Review status: criteria provided, single submitter. Criteria: CeGaT Center For Human Genetics Tuebingen Variant Classification Criteria Version 2. Collection method: clinical testing. Allele origin: germline. Affected: yes. Observed: 1 variant allele.
Comment: ATP6V1A: BS2

Labcorp Genetics (formerly Invitae), Labcorp
Classification: Uncertain significance. Last evaluated: 2025-03-04. Review status: criteria provided, single submitter. Criteria: Invitae Variant Classification Sherloc (09022015). Collection method: clinical testing. Allele origin: germline.
Comment: This sequence change replaces alanine, which is neutral and non-polar, with valine, which is neutral and non-polar, at codon 546 of the ATP6V1A protein (p.Ala546Val). This variant is present in population databases (rs571817807, gnomAD 0.1%). This variant has not been reported in the literature in individuals affected with ATP6V1A-related conditions. ClinVar contains an entry for this variant (Variation ID: 1380613). Invitae Evidence Modeling of protein sequence and biophysical properties (such as structural, functional, and spatial information, amino acid conservation, physicochemical variation, residue mobility, and thermodynamic stability) indicates that this missense variant is not expected to disrupt ATP6V1A protein function with a negative predictive value of 80%. In summary, the available evidence is currently insufficient to determine the role of this variant in disease. Therefore, it has been classified as a Variant of Uncertain Significance.

Ambry Genetics
Classification: Uncertain significance for Inborn genetic diseases. Last evaluated: 2023-10-17. Review status: criteria provided, single submitter. Criteria: Ambry Variant Classification Scheme 2023. Collection method: clinical testing. Allele origin: germline.